The following is an entry in ClinVar:

NM_001972.4(ELANE):c.271C>T (p.Arg91Trp)

Gene: ELANE (elastase, neutrophil expressed; plus strand). Cytogenetic location: 19p13.3.
Variant type: single nucleotide variant.
Coding change: c.271C>T on transcript NM_001972.4 (MANE Select); coding-DNA position 271, C replaced by T.
Protein change: p.Arg91Trp; replaces arginine 91 with tryptophan.
Molecular consequence: missense variant.
Genome position (GRCh38, 1-based): chr19:853,308, C>T. VCF-style: chr19-853308-C-T. GRCh37 (hg19) VCF-style: chr19-853308-C-T.
Other names: short protein forms R91W.
Identifiers: ClinVar variation 2922032 (VCV002922032.5), dbSNP rs1322402865, ClinGen allele CA402915936.

ClinVar aggregate classification (germline): Uncertain significance. Review status: criteria provided, multiple submitters, no conflicts (2 of 4 stars). 3 submissions from 3 submitters: Uncertain significance (3). Last evaluated 2025-05-16.

Conditions:
Neutropenia, severe congenital, 1, autosomal dominant. Identifiers: MedGen C1859966, MONDO:0042490, OMIM 202700.
Cyclical neutropenia. Also called: Cyclic hematopoiesis; Cyclic Neutropenia. Identifiers: Orphanet 2686, MedGen C0221023, MONDO:0008090, OMIM 162800, HP:0040289. Disease mechanism: loss of function.
Inborn genetic diseases. Identifiers: MedGen C0950123, MeSH D030342.

gnomAD v4.1: 3 of 1,610,766 alleles (0.00019%); highest among the groups gnomAD compares: Middle Eastern, 0.017%; no homozygotes.

Submissions (3):

Ambry Genetics
Classification: Uncertain significance for Inborn genetic diseases. Last evaluated: 2025-05-16. Review status: criteria provided, single submitter. Criteria: Ambry Variant Classification Scheme 2023. Collection method: clinical testing. Allele origin: germline.
Comment: The p.R91W variant (also known as c.271C>T), located in coding exon 3 of the ELANE gene, results from a C to T substitution at nucleotide position 271. The arginine at codon 91 is replaced by tryptophan, an amino acid with dissimilar properties. This amino acid position is conserved. In addition, this alteration is predicted to be tolerated by in silico analysis. Based on the available evidence, the clinical significance of this variant remains unclear.

Labcorp Genetics (formerly Invitae), Labcorp
Classification: Uncertain significance for Neutropenia, severe congenital, 1, autosomal dominant; Cyclical neutropenia. Last evaluated: 2024-10-22. Review status: criteria provided, single submitter. Criteria: Invitae Variant Classification Sherloc (09022015). Collection method: clinical testing. Allele origin: germline.
Comment: This sequence change replaces arginine, which is basic and polar, with tryptophan, which is neutral and slightly polar, at codon 91 of the ELANE protein (p.Arg91Trp). This variant is present in population databases (no rsID available, gnomAD no frequency). This variant has not been reported in the literature in individuals affected with ELANE-related conditions. Invitae Evidence Modeling of protein sequence and biophysical properties (such as structural, functional, and spatial information, amino acid conservation, physicochemical variation, residue mobility, and thermodynamic stability) has been performed for this missense variant. However, the output from this modeling did not meet the statistical confidence thresholds required to predict the impact of this variant on ELANE protein function. In summary, the available evidence is currently insufficient to determine the role of this variant in disease. Therefore, it has been classified as a Variant of Uncertain Significance.

Fulgent Genetics
Classification: Uncertain significance for Cyclical neutropenia; Neutropenia, severe congenital, 1, autosomal dominant. Last evaluated: 2024-01-10. Review status: criteria provided, single submitter. Criteria: ACMG Guidelines, 2015. Collection method: clinical testing. Allele origin: germline.